The following is an entry in ClinVar:

NM_000352.6(ABCC8):c.3112G>A (p.Asp1038Asn)

Gene: ABCC8 (ATP binding cassette subfamily C member 8; minus strand). Cytogenetic location: 11p15.1.
Variant type: single nucleotide variant.
Coding change: c.3112G>A on transcript NM_000352.6 (MANE Select); coding-DNA position 3112, G replaced by A.
Protein change: p.Asp1038Asn; replaces aspartic acid 1038 with asparagine.
Molecular consequence: missense variant. On other transcripts: non-coding transcript variant (1).
Genome position (GRCh38, 1-based): chr11:17,406,938, C>T on the plus strand (G>A on the coding strand, the complement: ABCC8 is on the minus strand). VCF-style: chr11-17406938-C-T. GRCh37 (hg19) VCF-style: chr11-17428485-C-T.
Other names: c.3112G>A (NM_000352.4); c.3115G>A, p.Asp1039Asn (NM_001287174.3); c.3178G>A, p.Asp1060Asn (NM_001351295.2); c.3112G>A, p.Asp1038Asn (NM_001351296.2); c.3109G>A, p.Asp1037Asn (NM_001351297.2); short protein forms D1038N, D1039N, D1060N, D1037N.
Identifiers: ClinVar variation 303766 (VCV000303766.17), dbSNP rs367974472, ClinGen allele CA5902919.

ClinVar aggregate classification (germline): Conflicting classifications of pathogenicity. Review status: criteria provided, conflicting classifications (1 of 4 stars). 10 submissions from 7 submitters: Uncertain significance (7); Likely benign (2). 1 of the submissions does not count toward it. Last evaluated 2025-10-20.

Conditions:
Type 2 diabetes mellitus. Also called: Type II diabetes mellitus. Identifiers: MedGen C0011860, MeSH D003924, MONDO:0005148, OMIM 125853, HP:0005978.
Leucine-induced hypoglycemia (LIH). Also called: LEUCINE-SENSITIVE HYPOGLYCEMIA OF INFANCY. Identifiers: MedGen C0271714, MONDO:0009415, OMIM 240800.
Hyperinsulinemic hypoglycemia, familial, 1 (HHF1). Also called: Persistent hyperinsulinemic hypoglycemia of infancy; HYPERINSULINISM, FAMILIAL, WITH PANCREATIC NESIDIOBLASTOSIS; HYPOGLYCEMIA, HYPERINSULINEMIC, OF INFANCY; NESIDIOBLASTOSIS OF PANCREAS; Persistent Hyperinsulinemia Hypoglycemia of Infancy. Identifiers: Orphanet 276575, Orphanet 276598, MedGen C2931832, MONDO:0009734, OMIM 256450.
Diabetes mellitus, transient neonatal, 2 (TNDM2). Identifiers: Orphanet 99886, MedGen C1835887, MONDO:0012480, OMIM 610374. Disease mechanism: loss of function.
Diabetes mellitus, permanent neonatal 3. Also called: ABCC8-Related Permanent Neonatal Diabetes Mellitus. Identifiers: MedGen C5394303, MONDO:0030088, OMIM 618857.
Transitory neonatal diabetes mellitus. Also called: Transient neonatal diabetes mellitus. Identifiers: MedGen C0342273, MONDO:0020525, HP:0008255.
Maturity-onset diabetes of the young (MODY). Also called: Maturity onset diabetes mellitus in young. Identifiers: Orphanet 552, MedGen C0342276, MONDO:0018911, HP:0004904.
Hereditary hyperinsulinism.
Permanent neonatal diabetes mellitus (PNDM). Identifiers: Orphanet 99885, MedGen C1833104, MONDO:0100164, MONDO:0011643. Disease mechanism: gain of function.

Allele frequency attached by ClinVar (database versions not stated): ESP Exome Variant Server 0.00008; ExAC 0.00009; TOPMed 0.00009; gnomAD 0.00010 and 0.00011.
gnomAD v4.1: 111 of 1,613,986 alleles (0.0069%); highest among the groups gnomAD compares: East Asian, 0.016%; no homozygotes.

Submissions (10):

Myriad Genetics, Inc.
Classification: Uncertain significance for Hyperinsulinemic hypoglycemia, familial, 1. Last evaluated: 2025-10-20. Review status: criteria provided, single submitter. Criteria: Myriad Autosomal Dominant, Autosomal Recessive and X-Linked Classification Criteria (2023). Collection method: clinical testing. Allele origin: unknown.
Comment: NM_000352.3(ABCC8):c.3112G>A(D1038N) is a missense variant classified as a variant of uncertain significance in the context of familial hyperinsulinism, ABCC8-related. D1038N has not been observed in cases with relevant disease. Relevant functional assessments of this variant are not available in the literature. D1038N has been observed in referenced population frequency databases. In summary, there is insufficient evidence to classify NM_000352.3(ABCC8):c.3112G>A(D1038N) as pathogenic or benign. Please note: this variant was assessed in the context of healthy population screening.

Labcorp Genetics (formerly Invitae), Labcorp
Classification: Likely benign. Last evaluated: 2024-03-10. Review status: criteria provided, single submitter. Criteria: Invitae Variant Classification Sherloc (09022015). Collection method: clinical testing. Allele origin: germline.

Fulgent Genetics
Classification: Uncertain significance for Type 2 diabetes mellitus; Leucine-induced hypoglycemia; Hyperinsulinemic hypoglycemia, familial, 1; Diabetes mellitus, transient neonatal, 2; Diabetes mellitus, permanent neonatal 3. Last evaluated: 2024-02-01. Review status: criteria provided, single submitter. Criteria: ACMG Guidelines, 2015. Collection method: clinical testing. Allele origin: germline.

New York Genome Center
Classification: Uncertain significance for Hyperinsulinemic hypoglycemia, familial, 1; Type 2 diabetes mellitus. Last evaluated: 2022-10-26. Review status: criteria provided, single submitter. Criteria: NYGC Assertion Criteria 2020. Collection method: clinical testing. Allele origin: germline. Observed: 1 heterozygote.
Comment: The c.3112G>A variant identified in the ABCC8 gene has not been previously reported in affected individuals in the literature and has been reported in ClinVar as both a Variant of Uncertain Significance and as Likely Benign (VarID:303766). It is observed in population databases (gnomADv2.1,gnomADv3.1.2, BRAVO-TOPMed) with highest allele frequency of 1.05e-4 (16 heterozygotes, 0 homozygotes, gnomADv3.1.2) suggesting it is not a common benign variant in the populations represented in those databases. The c.3112G>A variant is located within exon 25 of this 39-exon gene and is predicted to substitute a moderately conserved Aspartic Acid for Asparagine at amino acid 1038/1582 p.(Asp1038Asn) within the ABC transmembrane type-1,2 (UniProtKB:Q09428). In silico algorithms do not predict this variant to significantly affect the canonical protein (REVEL=0.397). Based on the available evidence, the c.3112G>Ap.(Asp1038Asn) variant identified in the ABCC8 gene is reported as a Variant of Uncertain Significance.

Illumina Laboratory Services, Illumina
Classification: Uncertain significance for Hyperinsulinemic hypoglycemia, familial, 1. Last evaluated: 2018-01-13. Review status: criteria provided, single submitter. Criteria: ICSL Variant Classification Criteria 13 December 2019. Collection method: clinical testing. Allele origin: germline.

Illumina Laboratory Services, Illumina
Classification: Likely benign for Diabetes mellitus, transient neonatal, 2. Last evaluated: 2018-01-13. Review status: criteria provided, single submitter. Criteria: ICSL Variant Classification Criteria 13 December 2019. Collection method: clinical testing. Allele origin: germline.
Comment: This variant was observed in the ICSL laboratory as part of a predisposition screen in an ostensibly healthy population. It had not been previously curated by ICSL or reported in the Human Gene Mutation Database (HGMD: prior to June 1st, 2018), and was therefore a candidate for classification through an automated scoring system. Utilizing variant allele frequency, disease prevalence and penetrance estimates, and inheritance mode, an automated score was calculated to assess if this variant is too frequent to cause the disease. Based on the score and internal cut-off values, a variant classified as likely benign is not then subjected to further curation. The score for this variant resulted in a classification of likely benign for this disease.

Illumina Laboratory Services, Illumina
Classification: Uncertain significance for Permanent neonatal diabetes mellitus 1. Last evaluated: 2018-01-13. Review status: criteria provided, single submitter. Criteria: ICSL Variant Classification Criteria 13 December 2019. Collection method: clinical testing. Allele origin: germline.

Clinical Genomics, Uppaluri K&H Personalized Medicine Clinic
Classification: Uncertain significance for Maturity-onset diabetes of the young. Review status: criteria provided, single submitter. Criteria: K & H Uppaluri Personalized Medicine Clinic Variant Classification & Assertion Criteria_Updated V.1. Collection method: research. Allele origin: somatic. Inheritance: Somatic mutation.
Comment: Mutations in ABCC8 gene are associated with both neonatal diabetes mellitus as well as MODY. Patients with this mutation may have a better response to sulfonylureas. However, no sufficient evidence is found to ascertain the role of this particular variant (rs367974472) in MODY yet.

Clinical Genomics, Uppaluri K&H Personalized Medicine Clinic
Classification: Uncertain significance for Transitory neonatal diabetes mellitus. Review status: criteria provided, single submitter. Criteria: K & H Uppaluri Personalized Medicine Clinic Variant Classification & Assertion Criteria_Updated V.1. Collection method: research. Allele origin: somatic. Inheritance: Somatic mutation.
Comment: Mutations in ABCC8 gene are associated with both neonatal diabetes mellitus as well as MODY. Patients with this mutation may have a better response to sulfonylureas. However, no sufficient evidence is found to ascertain the role of this particular variant (rs367974472) in neonatal diabetes yet.

Natera, Inc.
Classification: Uncertain significance for Hereditary hyperinsulinism. Last evaluated: 2020-04-10. Review status: no assertion criteria provided. Collection method: clinical testing. Allele origin: germline. Not counted in ClinVar's aggregate classification.

Literature cited by the submitters: PubMed 16885549 (cited by Clinical Genomics, Uppaluri K&H Personalized Medicine Clinic); PubMed 21989597 (cited by Clinical Genomics, Uppaluri K&H Personalized Medicine Clinic); PubMed 27538677 (cited by Clinical Genomics, Uppaluri K&H Personalized Medicine Clinic); PubMed 18981553 (cited by Clinical Genomics, Uppaluri K&H Personalized Medicine Clinic); PubMed 32027066 (cited by Clinical Genomics, Uppaluri K&H Personalized Medicine Clinic); PubMed 16613899 (cited by Clinical Genomics, Uppaluri K&H Personalized Medicine Clinic); PubMed 18025408 (cited by Clinical Genomics, Uppaluri K&H Personalized Medicine Clinic); PubMed 32792356 (cited by Clinical Genomics, Uppaluri K&H Personalized Medicine Clinic).